The following is an entry in ClinVar:

NM_000246.4(CIITA):c.23C>G (p.Pro8Arg)

Genes: CIITA (class II major histocompatibility complex transactivator; plus strand), LOC130058443 (ATAC-STARR-seq lymphoblastoid active region 10394; plus strand). Cytogenetic location: 16p13.13.
Variant type: single nucleotide variant.
Coding change: c.23C>G on transcript NM_000246.4 (MANE Select); coding-DNA position 23, C replaced by G.
Protein change: p.Pro8Arg; replaces proline 8 with arginine.
Molecular consequence: missense variant. On other transcripts: non-coding transcript variant (1).
Genome position (GRCh38, 1-based): chr16:10,877,353, C>G. VCF-style: chr16-10877353-C-G. GRCh37 (hg19) VCF-style: chr16-10971210-C-G.
Other names: c.23C>G, p.Pro8Arg (NM_001286402.1, NM_001286403.2, NM_001379330.1 and 3 more transcripts); short protein forms P8R.
Identifiers: ClinVar variation 1902656 (VCV001902656.2), dbSNP rs745724141, ClinGen allele CA7899531.

ClinVar aggregate classification (germline): Uncertain significance (1 of 4 stars; one submission).

Conditions:
MHC class II deficiency. Also called: Bare lymphocyte syndrome 2; BLS, TYPE II. Identifiers: Orphanet 572, MedGen C5447452, MONDO:0008855.

Allele frequency attached by ClinVar (database versions not stated): ExAC 0.00001; gnomAD 0.00001; TOPMed 0.00001.

Submission:

Labcorp Genetics (formerly Invitae), Labcorp
Classification: Uncertain significance for MHC class II deficiency. Last evaluated: 2022-06-26. Review status: criteria provided, single submitter. Criteria: Invitae Variant Classification Sherloc (09022015). Collection method: clinical testing. Allele origin: germline.
Comment: This sequence change replaces proline, which is neutral and non-polar, with arginine, which is basic and polar, at codon 8 of the CIITA protein (p.Pro8Arg). This variant is present in population databases (rs745724141, gnomAD 0.01%). This variant has not been reported in the literature in individuals affected with CIITA-related conditions. Algorithms developed to predict the effect of missense changes on protein structure and function are either unavailable or do not agree on the potential impact of this missense change (SIFT: "Deleterious"; PolyPhen-2: "Possibly Damaging"; Align-GVGD: "Class C0"). In summary, the available evidence is currently insufficient to determine the role of this variant in disease. Therefore, it has been classified as a Variant of Uncertain Significance.